The following is an entry in ClinVar:

ClinVar aggregate classification (germline): Uncertain significance (1 of 4 stars; one submission).

Submission:

ISCA site 15
Classification: Uncertain significance. Last evaluated: 2011-08-12. Review status: criteria provided, single submitter. Criteria: Kaminsky et al. (Genet Med. 2011). Collection method: clinical testing. Allele origin: unknown. Affected: yes. Observed: 1 variant allele.
Comment: Copy number variation identified through the course of routine clinical cytogenomic testing in postnatal populations. Clinical assertions have been curated as described in Kaminsky et al. 2011.

GRCh38/hg38 16p12.2(chr16:21940058-22396610)x1

Genes: CDR2 (cerebellar degeneration related protein 2), CDR2-DT (CDR2 divergent transcript), EEF2K (eukaryotic elongation factor 2 kinase), MOSMO (modulator of smoothened), PDZD9 (PDZ domain containing 9) and 32 more. Cytogenetic location: 16p12.2.
Variant type: copy number loss.
Change: copy number 1 (one copy instead of two) of chr16:21,940,058-22,396,610 (456.6 kb, GRCh38 coordinates, 1-based), cytogenetic band 16p12.2.
Identifiers: ClinVar variation 57552 (VCV000057552.1).